The following is an entry in ClinVar:

ClinVar aggregate classification (germline): Conflicting classifications of pathogenicity. Review status: criteria provided, conflicting classifications (1 of 4 stars). 5 submissions from 5 submitters: Uncertain significance (1); Benign (1); Likely benign (3). Last evaluated 2025-12-16.

Conditions:
Hereditary cancer-predisposing syndrome. Also called: Tumor predisposition; Hereditary Cancer Syndrome; Hereditary neoplastic syndrome; Neoplastic Syndromes, Hereditary. Identifiers: Orphanet 140162, MedGen C0027672, MeSH D009386, MONDO:0015356.
Peutz-Jeghers syndrome (PJS). Also called: POLYPOSIS, HAMARTOMATOUS INTESTINAL; POLYPS-AND-SPOTS SYNDROME; Peutz-Jeghers polyposis; Periorificial lentiginosis syndrome. Identifiers: Orphanet 2869, MedGen C0031269, MeSH D010580, MONDO:0008280, OMIM 175200.

Allele frequency attached by ClinVar (database versions not stated): gnomAD exomes below 0.00001; gnomAD 0.00001.
gnomAD v4.1: 2 of 1,607,302 alleles (0.00012%); highest among the groups gnomAD compares: Non-Finnish European, 0.00017%; no homozygotes.

Submissions (5):

Labcorp Genetics (formerly Invitae), Labcorp
Classification: Likely benign for Peutz-Jeghers syndrome. Last evaluated: 2025-12-16. Review status: criteria provided, single submitter. Criteria: Invitae Variant Classification Sherloc (09022015). Collection method: clinical testing. Allele origin: germline.

Color Diagnostics, LLC DBA Color Health
Classification: Likely benign for Hereditary cancer-predisposing syndrome. Last evaluated: 2025-07-20. Review status: criteria provided, single submitter. Criteria: ACMG Guidelines, 2015. Collection method: clinical testing. Allele origin: germline.

Myriad Genetics, Inc.
Classification: Benign for Peutz-Jeghers syndrome. Last evaluated: 2025-03-24. Review status: criteria provided, single submitter. Criteria: Myriad Autosomal Dominant, Autosomal Recessive and X-Linked Classification Criteria (2023). Collection method: clinical testing. Allele origin: unknown.
Comment: This variant is considered benign. This variant is a silent/synonymous amino acid change and it is not expected to impact splicing.

Genome-Nilou Lab
Classification: Uncertain significance for Peutz-Jeghers syndrome. Last evaluated: 2021-07-15. Review status: criteria provided, single submitter. Criteria: ACMG Guidelines, 2015. Collection method: clinical testing. Allele origin: germline. Affected: no.

Ambry Genetics
Classification: Likely benign for Hereditary cancer-predisposing syndrome. Last evaluated: 2019-01-22. Review status: criteria provided, single submitter. Criteria: Ambry Variant Classification Scheme 2023. Collection method: clinical testing. Allele origin: germline.

NM_000455.5(STK11):c.45C>T (p.Gly15=)

Gene: STK11 (serine/threonine kinase 11; plus strand). Cytogenetic location: 19p13.3.
Variant type: single nucleotide variant.
Coding change: c.45C>T on transcript NM_000455.5 (MANE Select); coding-DNA position 45, C replaced by T.
Protein change: p.Gly15=; no amino-acid change (glycine 15 retained).
Molecular consequence: synonymous variant.
Genome position (GRCh38, 1-based): chr19:1,206,958, C>T. VCF-style: chr19-1206958-C-T. GRCh37 (hg19) VCF-style: chr19-1206957-C-T.
Identifiers: ClinVar variation 184033 (VCV000184033.17), dbSNP rs786201234, ClinGen allele CA022967.
Genomic context (GRCh38, chr19:1,206,958, plus strand): 5'-GGACCCTGGGTCCAGCATGGAGGTGGTGGACCCGCAGCAGCTGGGCATGTTCACGGAGGG[C>T]GAGCTGATGTCGGTGGGTATGGACACGTTCATCCACCGCATCGACTCCACCGAGGTCATC-3'
Protein context (NP_000446.1, residues 5-25): DPQQLGMFTE[Gly15=]ELMSVGMDTF